The following is an entry in ClinVar:

ClinVar aggregate classification (germline): Conflicting classifications of pathogenicity. Review status: criteria provided, conflicting classifications (1 of 4 stars). 3 submissions from 3 submitters: Uncertain significance (2); Likely benign (1). Last evaluated 2026-01-19.

Conditions:
Hereditary nonpolyposis colorectal neoplasms. Identifiers: MedGen C0009405, MeSH D003123.
Hereditary cancer-predisposing syndrome. Also called: Hereditary Cancer Syndrome; Neoplastic Syndromes, Hereditary; Tumor predisposition; Hereditary neoplastic syndrome. Identifiers: Orphanet 140162, MedGen C0027672, MeSH D009386, MONDO:0015356.

Allele frequency attached by ClinVar (database versions not stated): ExAC 0.00001; gnomAD exomes 0.00001.

Submissions (3):

Labcorp Genetics (formerly Invitae), Labcorp
Classification: Likely benign for Hereditary nonpolyposis colorectal neoplasms. Last evaluated: 2026-01-19. Review status: criteria provided, single submitter. Criteria: Invitae Variant Classification Sherloc (09022015). Collection method: clinical testing. Allele origin: germline.

Ambry Genetics
Classification: Uncertain significance for Hereditary cancer-predisposing syndrome. Last evaluated: 2024-07-24. Review status: criteria provided, single submitter. Criteria: Ambry Variant Classification Scheme 2023. Collection method: clinical testing. Allele origin: germline.
Comment: The p.L617I variant (also known as c.1849C>A), located in coding exon 4 of the MSH6 gene, results from a C to A substitution at nucleotide position 1849. The leucine at codon 617 is replaced by isoleucine, an amino acid with highly similar properties. This amino acid position is conserved. In addition, this alteration is predicted to be tolerated by in silico analysis. Based on the available evidence, the clinical significance of this variant remains unclear.

Color Diagnostics, LLC DBA Color Health
Classification: Uncertain significance for Hereditary cancer-predisposing syndrome. Last evaluated: 2021-05-10. Review status: criteria provided, single submitter. Criteria: ACMG Guidelines, 2015. Collection method: clinical testing. Allele origin: germline.
Comment: This missense variant replaces leucine with isoleucine at codon 617 of the MSH6 protein. Computational prediction suggests that this variant may not impact protein structure and function (internally defined REVEL score threshold <= 0.5, PMID: 27666373). To our knowledge, functional studies have not been reported for this variant. This variant has not been reported in individuals affected with hereditary cancer in the literature. This variant has been identified in 2/250642 chromosomes in the general population by the Genome Aggregation Database (gnomAD). The available evidence is insufficient to determine the role of this variant in disease conclusively. Therefore, this variant is classified as a Variant of Uncertain Significance.

NM_000179.3(MSH6):c.1849C>A (p.Leu617Ile)

Gene: MSH6 (mutS homolog 6; plus strand). Cytogenetic location: 2p16.3.
Variant type: single nucleotide variant.
Coding change: c.1849C>A on transcript NM_000179.3 (MANE Select); coding-DNA position 1849, C replaced by A.
Protein change: p.Leu617Ile; replaces leucine 617 with isoleucine.
Molecular consequence: missense variant.
Genome position (GRCh38, 1-based): chr2:47,799,832, C>A. VCF-style: chr2-47799832-C-A. GRCh37 (hg19) VCF-style: chr2-48026971-C-A.
Other names: c.1459C>A, p.Leu487Ile (NM_001281492.2); c.943C>A, p.Leu315Ile (NM_001281493.2, NM_001281494.2); short protein forms L315I, L487I, L617I.
Identifiers: ClinVar variation 1022358 (VCV001022358.13), dbSNP rs773619924, ClinGen allele CA068196.
Genomic context (GRCh38, chr2:47,799,832, plus strand): 5'-GAAAAAGGAAATCTCTCAAAGGAAACTAAAACAATTCTAAAGAGTTCATTGTCCTGTTCT[C>A]TTCAGGAAGGTCTGATACCCGGCTCCCAGTTTTGGGATGCATCCAAAACTTTGAGAACTC-3'
Protein context (NP_000170.1, residues 607-627): TILKSSLSCS[Leu617Ile]QEGLIPGSQF